The following is an entry in ClinVar:

ClinVar aggregate classification (germline): Uncertain significance (1 of 4 stars; one submission).

Allele frequency attached by ClinVar (database versions not stated): gnomAD exomes below 0.00001.
gnomAD v4.1: 1 of 1,613,976 alleles (0.000062%); highest among the groups gnomAD compares: Admixed American, 0.0017%; no homozygotes.

Submission:

Labcorp Genetics (formerly Invitae), Labcorp
Classification: Uncertain significance. Last evaluated: 2021-11-22. Review status: criteria provided, single submitter. Criteria: Invitae Variant Classification Sherloc (09022015). Collection method: clinical testing. Allele origin: germline.
Comment: This sequence change replaces leucine, which is neutral and non-polar, with phenylalanine, which is neutral and non-polar, at codon 458 of the SRP72 protein (p.Leu458Phe). This variant is not present in population databases (gnomAD no frequency). In summary, the available evidence is currently insufficient to determine the role of this variant in disease. Therefore, it has been classified as a Variant of Uncertain Significance. This variant has not been reported in the literature in individuals affected with SRP72-related conditions. Algorithms developed to predict the effect of missense changes on protein structure and function are either unavailable or do not agree on the potential impact of this missense change (SIFT: "Tolerated"; PolyPhen-2: "Possibly Damaging"; Align-GVGD: "Class C0").

NM_006947.4(SRP72):c.1372C>T (p.Leu458Phe)

Gene: SRP72 (signal recognition particle 72; plus strand). Cytogenetic location: 4q12.
Variant type: single nucleotide variant.
Coding change: c.1372C>T on transcript NM_006947.4 (MANE Select); coding-DNA position 1372, C replaced by T.
Protein change: p.Leu458Phe; replaces leucine 458 with phenylalanine.
Molecular consequence: missense variant. On other transcripts: non-coding transcript variant (1).
Genome position (GRCh38, 1-based): chr4:56,490,384, C>T. VCF-style: chr4-56490384-C-T. GRCh37 (hg19) VCF-style: chr4-57356550-C-T.
Other names: c.1189C>T, p.Leu397Phe (NM_001267722.2); short protein forms L397F, L458F.
Identifiers: ClinVar variation 1379323 (VCV001379323.6), dbSNP rs2110127006, ClinGen allele CA357001580.